The following is an entry in ClinVar:

ClinVar aggregate classification (germline): Uncertain significance. Review status: criteria provided, multiple submitters, no conflicts (2 of 4 stars). 2 submissions from 2 submitters: Uncertain significance (2). Last evaluated 2025-11-25.

Conditions:
Dyskeratosis congenita, autosomal dominant 6 (DKCA6). Identifiers: Orphanet 3322, MedGen C4225284, MONDO:0014690, OMIM 616553.
Inborn genetic diseases. Identifiers: MedGen C0950123, MeSH D030342.

Allele frequency attached by ClinVar (database versions not stated): ExAC 0.00001; gnomAD 0.00001; gnomAD exomes 0.00001 and 0.00003; TOPMed 0.00002.

Submissions (2):

Labcorp Genetics (formerly Invitae), Labcorp
Classification: Uncertain significance for Dyskeratosis congenita, autosomal dominant 6. Last evaluated: 2025-11-25. Review status: criteria provided, single submitter. Criteria: Invitae Variant Classification Sherloc (09022015). Collection method: clinical testing. Allele origin: germline.
Comment: This sequence change replaces cysteine, which is neutral and slightly polar, with tyrosine, which is neutral and polar, at codon 314 of the ACD protein (p.Cys314Tyr). This variant is present in population databases (rs748280747, gnomAD 0.02%). This variant has not been reported in the literature in individuals affected with ACD-related conditions. ClinVar contains an entry for this variant (Variation ID: 1035262). Invitae Evidence Modeling of protein sequence and biophysical properties (such as structural, functional, and spatial information, amino acid conservation, physicochemical variation, residue mobility, and thermodynamic stability) indicates that this missense variant is not expected to disrupt ACD protein function with a negative predictive value of 80%. In summary, the available evidence is currently insufficient to determine the role of this variant in disease. Therefore, it has been classified as a Variant of Uncertain Significance.

Ambry Genetics
Classification: Uncertain significance for Inborn genetic diseases. Last evaluated: 2023-10-13. Review status: criteria provided, single submitter. Criteria: Ambry Variant Classification Scheme 2023. Collection method: clinical testing. Allele origin: germline.
Comment: The p.C314Y variant (also known as c.941G>A), located in coding exon 8 of the ACD gene, results from a G to A substitution at nucleotide position 941. The cysteine at codon 314 is replaced by tyrosine, an amino acid with highly dissimilar properties. This amino acid position is conserved. In addition, this alteration is predicted to be tolerated by in silico analysis. Since supporting evidence is limited at this time, the clinical significance of this alteration remains unclear.

NM_001082486.2(ACD):c.683G>A (p.Cys228Tyr)

Gene: ACD (ACD shelterin complex subunit and telomerase recruitment factor; minus strand). Cytogenetic location: 16q22.1.
Variant type: single nucleotide variant.
Coding change: c.683G>A on transcript NM_001082486.2 (MANE Select); coding-DNA position 683, G replaced by A.
Protein change: p.Cys228Tyr; replaces cysteine 228 with tyrosine.
Molecular consequence: missense variant.
Genome position (GRCh38, 1-based): chr16:67,658,779, C>T on the plus strand (G>A on the coding strand, the complement: ACD is on the minus strand). VCF-style: chr16-67658779-C-T. GRCh37 (hg19) VCF-style: chr16-67692682-C-T.
Other names: c.674G>A, p.Cys225Tyr (NM_022914.3); short protein forms C225Y, C228Y.
Identifiers: ClinVar variation 1035262 (VCV001035262.10), dbSNP rs748280747, ClinGen allele CA8114571.